The following is an entry in ClinVar:

NM_001005373.4(LRSAM1):c.2026_2027del (p.Val676fs)

Gene: LRSAM1 (leucine rich repeat and sterile alpha motif containing 1; plus strand). Cytogenetic location: 9q34.11.
Variant type: Microsatellite.
Coding change: c.2026_2027del on transcript NM_001005373.4 (MANE Select); coding-DNA positions 2026 to 2027, 2 bases deleted (GT; older notation c.2026_2027delGT).
Protein change: p.Val676fs; shifts the reading frame from valine 676.
Molecular consequence: frameshift variant. On other transcripts: non-coding transcript variant (2).
Genome position (GRCh38, 1-based): chr9:127,501,123-127,501,124, GT deleted; deleting any 2 consecutive bases within chr9:127,501,119-127,501,124 gives the same sequence; the c. name uses the placement nearest the transcript's 3' end. VCF-style (leftmost placement, unchanged base first): chr9-127501118-AGT-A. GRCh37 (hg19) VCF-style: chr9-130263397-AGT-A.
Other names: c.2026_2027del, p.Val676fs (NM_001005374.4, NM_001384142.1, NM_138361.5); c.1945_1946del, p.Val649fs (NM_001190723.3); c.1927_1928del, p.Val643fs (NM_001384143.1); c.1237_1238del, p.Val413fs (NM_001384144.1); short protein forms V676fs, V413fs, V643fs, V649fs.
Identifiers: ClinVar variation 1515676 (VCV001515676.8), dbSNP rs2132128455, ClinGen allele CA2580616302.

ClinVar aggregate classification (germline): Likely pathogenic (1 of 4 stars; one submission).

Conditions:
Charcot-Marie-Tooth disease axonal type 2P. Also called: Charcot-Marie-Tooth Neuropathy Type 2G; CHARCOT-MARIE-TOOTH NEUROPATHY, TYPE 2P; CHARCOT-MARIE-TOOTH DISEASE, AXONAL, TYPE 2G; CMT 2G. Identifiers: Orphanet 300319, Orphanet 99941, MedGen C3280797, MONDO:0013753, OMIM 614436.

Submission:

Labcorp Genetics (formerly Invitae), Labcorp
Classification: Likely pathogenic for Charcot-Marie-Tooth disease axonal type 2P. Last evaluated: 2023-06-24. Review status: criteria provided, single submitter. Criteria: Invitae Variant Classification Sherloc (09022015). Collection method: clinical testing. Allele origin: germline.
Comment: This sequence change results in a frameshift in the LRSAM1 gene (p.Val676Argfs*80). While this is not anticipated to result in nonsense mediated decay, it is expected to disrupt the last 48 amino acid(s) of the LRSAM1 protein and extend the protein by 31 additional amino acid residues. This variant is not present in population databases (gnomAD no frequency). This variant has not been reported in the literature in individuals affected with LRSAM1-related conditions. ClinVar contains an entry for this variant (Variation ID: 1515676). This variant disrupts the region of the LRSAM1 protein between p.Leu668 and p.Leu708. Other variants in this region have been observed in individuals with autosomal dominant LRSAM1-related conditions (PMID: 22012984, 29341362; Invitae), which suggests that this may be a clinically significant region of the protein. In summary, the currently available evidence indicates that the variant is pathogenic, but additional data are needed to prove that conclusively. Therefore, this variant has been classified as Likely Pathogenic.

Literature cited by the submitters: PubMed 22012984; PubMed 29341362.